The following is an entry in ClinVar:

ClinVar aggregate classification (germline): Likely pathogenic (1 of 4 stars; one submission).

Conditions:
Very long chain acyl-CoA dehydrogenase deficiency (ACADVLD). Also called: Very Long-Chain Acyl-Coenzyme A Dehydrogenase Deficiency; VLCAD Deficiency. Identifiers: Orphanet 26793, MedGen C3887523, MONDO:0008723, OMIM 201475.

Submission:

Wong Mito Lab, Molecular and Human Genetics, Baylor College of Medicine
Classification: Likely pathogenic for Very long chain acyl-CoA dehydrogenase deficiency. Last evaluated: 2019-11-01. Review status: criteria provided, single submitter. Criteria: ACMG Guidelines, 2015. Collection method: clinical testing. Allele origin: germline.
Comment: The NM_000018.3:c.1557delG (NP_000009.1:p.Ser520ValfsTer10) [GRCH38: NC_000017.11:g.7224345del] variant in ACADVL gene is interpretated to be Likely Pathogenic based on ACMG guidelines (PMID: 25741868). This variant has been reported. This variant meets the following evidence codes reported in the ACMG guidelines: PVS1, PM1

NM_000018.4(ACADVL):c.1557del (p.Ser520fs)

Gene: ACADVL (acyl-CoA dehydrogenase very long chain; plus strand). Cytogenetic location: 17p13.1.
Variant type: Deletion.
Coding change: c.1557del on transcript NM_000018.4 (MANE Select); coding-DNA position 1557, one base deleted (G; older notation c.1557delG).
Protein change: p.Ser520fs; shifts the reading frame from serine 520.
Molecular consequence: frameshift variant.
Genome position (GRCh38, 1-based): chr17:7,224,345, G deleted. VCF-style (leftmost placement, unchanged base first): chr17-7224344-TG-T. GRCh37 (hg19) VCF-style: chr17-7127663-TG-T.
Other names: c.1491del, p.Ser498fs (NM_001033859.3); c.1626del, p.Ser543fs (NM_001270447.2); c.1329del, p.Ser444fs (NM_001270448.2); short protein forms S543fs, S498fs, S520fs, S444fs.
Identifiers: ClinVar variation 932880 (VCV000932880.2), dbSNP rs2071373150, ClinGen allele CA1139533032.
Genomic context (GRCh38, chr17:7,224,344, plus strand): 5'-ATGGCAACTAACCAGTCATTCTCCCTCTTCCTCTCAGGCGGGCAGGGCTGGGCAGCGGCC[TG>T]AGTCTCAGCGGACTTGTCCACCCGGAGTTGAGTCGGAGTGGCGAGCTGGTAAGTGGCCAG-3'